The following is an entry in ClinVar:

ClinVar aggregate classification (germline): Uncertain significance (1 of 4 stars; one submission).

Conditions:
Hereditary cancer-predisposing syndrome. Also called: Neoplastic Syndromes, Hereditary; Tumor predisposition; Hereditary neoplastic syndrome; Hereditary Cancer Syndrome. Identifiers: Orphanet 140162, MedGen C0027672, MeSH D009386, MONDO:0015356.

Submission:

Ambry Genetics
Classification: Uncertain significance for Hereditary cancer-predisposing syndrome. Last evaluated: 2026-08-20. Review status: criteria provided, single submitter. Criteria: Ambry Variant Classification Scheme 2023. Collection method: clinical testing. Allele origin: germline.
Comment: The p.C167R variant (also known as c.499T>C), located in coding exon 4 of the SMARCB1 gene, results from a T to C substitution at nucleotide position 499. The cysteine at codon 167 is replaced by arginine, an amino acid with highly dissimilar properties. This amino acid position is conserved. In addition, this alteration is predicted to be deleterious by in silico analysis. Based on the available evidence, the clinical significance of this variant remains unclear.

NM_003073.5(SMARCB1):c.499T>C (p.Cys167Arg)

Gene: SMARCB1 (SWI/SNF related BAF chromatin remodeling complex subunit B1; plus strand). Cytogenetic location: 22q11.23.
Variant type: single nucleotide variant.
Coding change: c.499T>C on transcript NM_003073.5 (MANE Select); coding-DNA position 499, T replaced by C.
Protein change: p.Cys167Arg; replaces cysteine 167 with arginine.
Molecular consequence: missense variant.
Genome position (GRCh38, 1-based): chr22:23,801,080, T>C. VCF-style: chr22-23801080-T-C. GRCh37 (hg19) VCF-style: chr22-24143267-T-C.
Other names: c.472T>C, p.Cys158Arg (NM_001007468.3); c.472T>C, p.Trp158Arg (NM_001317946.2); c.499T>C, p.Trp167Arg (NM_001362877.2); short protein forms W167R, C158R, C167R, W158R.
Identifiers: ClinVar variation 5029945 (VCV005029945.1).